The following is an entry in ClinVar:

NM_000016.6(ACADM):c.833A>G (p.Asp278Gly)

Gene: ACADM (acyl-CoA dehydrogenase medium chain; plus strand). Cytogenetic location: 1p31.1.
Variant type: single nucleotide variant.
Coding change: c.833A>G on transcript NM_000016.6 (MANE Select); coding-DNA position 833, A replaced by G.
Protein change: p.Asp278Gly; replaces aspartic acid 278 with glycine.
Molecular consequence: missense variant.
Genome position (GRCh38, 1-based): chr1:75,749,543, A>G. VCF-style: chr1-75749543-A-G. GRCh37 (hg19) VCF-style: chr1-76215228-A-G.
Other names: c.845A>G, p.Asp282Gly (NM_001127328.3); c.725A>G, p.Asp242Gly (NM_001286042.2); c.932A>G, p.Asp311Gly (NM_001286043.2); c.266A>G, p.Asp89Gly (NM_001286044.2); short protein forms D242G, D278G, D282G, D311G, D89G.
Identifiers: ClinVar variation 4816326 (VCV004816326.2).
Genomic context (GRCh38, chr1:75,749,543, plus strand): 5'-CTAAAGAAAATGTTTTAATTGGTGACGGAGCTGGTTTCAAAGTTGCAATGGGAGCTTTTG[A>G]TAAAACCAGACCTGTAGTAAGTAATATGGGTTCATAATCTTTATAGGATCTTTTATTTAT-3'
Protein context (NP_000007.1, residues 268-288): AGFKVAMGAF[Asp278Gly]KTRPVVAAGA

ClinVar aggregate classification (germline): Conflicting classifications of pathogenicity. Review status: criteria provided, conflicting classifications (1 of 4 stars). 2 submissions from 2 submitters: Likely pathogenic (1); Uncertain significance (1). Last evaluated 2026-06-02.

Conditions:
Medium-chain acyl-coenzyme A dehydrogenase deficiency (ACADMD). Also called: MCADD; ACADM DEFICIENCY; Medium chain acyl-CoA dehydrogenase deficiency; CARNITINE DEFICIENCY SECONDARY TO MEDIUM-CHAIN ACYL-CoA DEHYDROGENASE DEFICIENCY; MCADH DEFICIENCY; MCAD Deficiency. Identifiers: Orphanet 42, MedGen C0220710, MONDO:0008721, OMIM 201450.

Submissions (2):

Myriad Genetics, Inc.
Classification: Uncertain significance for Medium-chain acyl-coenzyme A dehydrogenase deficiency. Last evaluated: 2026-06-02. Review status: criteria provided, single submitter. Criteria: Myriad Autosomal Dominant, Autosomal Recessive and X-Linked Classification Criteria (2023). Collection method: clinical testing. Allele origin: unknown.
Comment: NM_000016.4(ACADM):c.833A>G(D278G) is a missense variant classified as a variant of uncertain significance in the context of medium-chain acyl-CoA dehydrogenase deficiency. D278G has been observed in cases with relevant disease (PMID: 20434380). Relevant functional assessments of this variant are not available in the literature. D278G has not been observed in referenced population frequency databases. In summary, there is insufficient evidence to classify NM_000016.4(ACADM):c.833A>G(D278G) as pathogenic or benign. Please note: this variant was assessed in the context of healthy population screening.

Natera, Inc.
Classification: Likely pathogenic for Medium Chain Acyl-CoA Dehydrogenase Deficiency. Last evaluated: 2025-11-13. Review status: criteria provided, single submitter. Criteria: Natera Variant Classification Schema (03/2026). Collection method: clinical testing. Allele origin: germline.
Comment: The c.833A>G variant in ACADM is a missense variant predicted to cause substitution of aspartic acid to glycine at amino acid 278. This variant is rare in the general population with a frequency below the threshold expected for the associated phenotype(s). This variant has been observed in one or more individuals affected with the associated recessive disease, as either homozygous or compound heterozygous with a second variant (PMID: 20434380). This variant has been identified in one or more affected individual with a phenotype highly consistent with the associated gene (PMID: 20434380). Computational prediction algorithms indicate this variant is likely to affect gene or protein function. Given the available evidence, this variant is classified as Likely Pathogenic.

Literature cited by the submitters: PubMed 20434380 (cited by Myriad Genetics, Inc. and Natera, Inc.).